The following is an entry in ClinVar:

ClinVar aggregate classification (germline): Likely pathogenic (1 of 4 stars; one submission).

Conditions:
Baller-Gerold syndrome (BGS). Also called: CRANIOSYNOSTOSIS WITH RADIAL DEFECTS. Identifiers: Orphanet 1225, MedGen C0265308, MONDO:0009039, OMIM 218600.

Submission:

Labcorp Genetics (formerly Invitae), Labcorp
Classification: Likely pathogenic for Baller-Gerold syndrome. Last evaluated: 2022-08-12. Review status: criteria provided, single submitter. Criteria: Invitae Variant Classification Sherloc (09022015). Collection method: clinical testing. Allele origin: germline.
Comment: This sequence change affects a donor splice site in intron 1 of the RECQL4 gene. It is expected to disrupt RNA splicing. Variants that disrupt the donor or acceptor splice site typically lead to a loss of protein function (PMID: 16199547), and loss-of-function variants in RECQL4 are known to be pathogenic (PMID: 12734318, 12952869). This variant is not present in population databases (gnomAD no frequency). This variant has not been reported in the literature in individuals affected with RECQL4-related conditions. Algorithms developed to predict the effect of sequence changes on RNA splicing suggest that this variant may disrupt the consensus splice site. In summary, the currently available evidence indicates that the variant is pathogenic, but additional data are needed to prove that conclusively. Therefore, this variant has been classified as Likely Pathogenic.

Literature cited by the submitters: PubMed 16199547; PubMed 12734318; PubMed 12952869.

NM_004260.4(RECQL4):c.84+2T>G

Genes: RECQL4 (RecQ like helicase 4; minus strand), LOC130001411 (ATAC-STARR-seq lymphoblastoid silent region 19699; plus strand). Cytogenetic location: 8q24.3.
Variant type: single nucleotide variant.
Coding change: c.84+2T>G on transcript NM_004260.4 (MANE Select); the canonical splice donor site of the intron after coding-DNA position 84, T replaced by G.
Molecular consequence: splice donor variant. On other transcripts: 5 prime UTR variant (14).
Genome position (GRCh38, 1-based): chr8:144,517,699, A>C on the plus strand (T>G on the coding strand, the complement: RECQL4 is on the minus strand). VCF-style: chr8-144517699-A-C. GRCh37 (hg19) VCF-style: chr8-145743083-A-C.
Other names: c.-700T>G (NM_001413021.1); c.-1051T>G (NM_001413022.1, NM_001413023.1, NM_001413037.1 and 2 more transcripts); c.-948T>G (NM_001413024.1); c.-776T>G (NM_001413028.1); c.-1113T>G (NM_001413030.1, NM_001413031.1, NM_001413041.1); c.-955T>G (NM_001413034.1); c.-956T>G (NM_001413040.1); c.-1320T>G (NM_001413043.1); and 4 more.
Identifiers: ClinVar variation 2023668 (VCV002023668.4), dbSNP rs2130745099, ClinGen allele CA372693597.
Genomic context (GRCh38, chr8:144,517,699, plus strand): 5'-TAAAGGGAACGCGTCAGCCGCGGGCCGCGCCCTCAGCCCCTCGGCCCCTGGGCAGCCCGC[A>C]CCTGGCTCGGTCGCCGCCCGCGCTGCCGTCGGAACGCGCGCTCCCACGCCTGCAGCCGCT-3'